The following is an entry in ClinVar:

ClinVar aggregate classification (germline): Conflicting classifications of pathogenicity. Review status: criteria provided, conflicting classifications (1 of 4 stars). 6 submissions from 6 submitters: Uncertain significance (1); Benign (1); Likely benign (2). 2 of the submissions do not count toward it. Last evaluated 2025-08-21.

Conditions:
ASPM-related disorder. Also called: ASPM-related condition.
Microcephaly 5, primary, autosomal recessive (MCPH5). Also called: ASPM Primary Microcephaly. Identifiers: Orphanet 2512, MedGen C1837501, MONDO:0012106, OMIM 608716.

Allele frequency attached by ClinVar (database versions not stated): ExAC 0.00094; 1000 Genomes Project 0.00180; 1000 Genomes Project 30x 0.00234; gnomAD exomes 0.00088 and 0.00033; gnomAD 0.00029 and 0.00040; TOPMed 0.00043.
gnomAD v4.1: 574 of 1,613,938 alleles (0.036%); highest among the groups gnomAD compares: East Asian, 1.2%; 6 homozygotes.

Submissions (9):

Labcorp Genetics (formerly Invitae), Labcorp
Classification: Benign. Last evaluated: 2025-08-21. Review status: criteria provided, single submitter. Criteria: Invitae Variant Classification Sherloc (09022015). Collection method: clinical testing. Allele origin: germline.

GeneDx
Classification: Likely benign. Last evaluated: 2019-07-13. Review status: criteria provided, single submitter. Criteria: GeneDx Variant Classification Process June 2021. Collection method: clinical testing. Allele origin: germline. Affected: yes.

Illumina Laboratory Services, Illumina
Classification: Likely benign for Microcephaly 5, primary, autosomal recessive. Last evaluated: 2017-04-27. Review status: criteria provided, single submitter. Criteria: ICSL Variant Classification Criteria 13 December 2019. Collection method: clinical testing. Allele origin: germline.
Comment: This variant was observed as part of a predisposition screen in an ostensibly healthy population. A literature search was performed for the gene, cDNA change, and amino acid change (where applicable). No publications were found based on this search. Allele frequency data from public databases allowed determination this variant is unlikely to cause disease. Therefore, this variant is classified as likely benign.

Genetic Services Laboratory, University of Chicago
Classification: Uncertain significance for Microcephaly 5, primary, autosomal recessive. Last evaluated: 2014-05-29. Review status: criteria provided, single submitter. Criteria: ACMG Guidelines, 2015. Collection method: clinical testing. Allele origin: germline. Inheritance: Autosomal recessive inheritance.

PreventionGenetics, part of Exact Sciences
Classification: Benign for ASPM-related condition. Last evaluated: 2019-08-14. Review status: no assertion criteria provided. Collection method: clinical testing. Allele origin: germline. Not counted in ClinVar's aggregate classification.
Comment: This variant is classified as benign based on ACMG/AMP sequence variant interpretation guidelines (Richards et al. 2015 PMID: 25741868, with internal and published modifications).

Dr. Peter K. Rogan Lab, Western University
No classification provided (evidence only). Condition: Cervical cancer. Review status: no classification provided. Collection method: in vitro. Allele origin: not applicable. Functional consequence: retained intron. Not counted in ClinVar's aggregate classification.

Dr. Peter K. Rogan Lab, Western University
No classification provided (evidence only). Condition: Gastric cancer. Review status: no classification provided. Collection method: in vitro. Allele origin: not applicable. Functional consequence: retained intron. Not counted in ClinVar's aggregate classification.

Dr. Peter K. Rogan Lab, Western University
No classification provided (evidence only). Condition: Malignant tumor of esophagus. Review status: no classification provided. Collection method: in vitro. Allele origin: not applicable. Functional consequence: retained intron. Not counted in ClinVar's aggregate classification.

GeneReviews
No classification provided. Condition: Microcephaly 5, primary, autosomal recessive. Review status: no classification provided. Collection method: literature only. Allele origin: unknown. Not counted in ClinVar's aggregate classification.

Literature cited by the submitters: PubMed 20301772 (cited by GeneReviews); NCBI Bookshelf NBK9587 (cited by GeneReviews).

NM_018136.5(ASPM):c.937A>G (p.Ile313Val)

Gene: ASPM (assembly factor for spindle microtubules; minus strand). Cytogenetic location: 1q31.3.
Variant type: single nucleotide variant.
Coding change: c.937A>G on transcript NM_018136.5 (MANE Select); coding-DNA position 937, A replaced by G.
Protein change: p.Ile313Val; replaces isoleucine 313 with valine.
Molecular consequence: missense variant.
Genome position (GRCh38, 1-based): chr1:197,143,315, T>C on the plus strand (A>G on the coding strand, the complement: ASPM is on the minus strand). VCF-style: chr1-197143315-T-C. GRCh37 (hg19) VCF-style: chr1-197112445-T-C.
Other names: c.937A>G, p.Ile313Val (NM_001206846.2); short protein forms I313V.
Identifiers: ClinVar variation 21624 (VCV000021624.26), dbSNP rs12025066, ClinGen allele CA342295.